The following is an entry in ClinVar:

NM_002907.4(RECQL):c.838T>G (p.Ser280Ala)

Gene: RECQL (RecQ like helicase; minus strand). Cytogenetic location: 12p12.1.
Variant type: single nucleotide variant.
Coding change: c.838T>G on transcript NM_002907.4 (MANE Select); coding-DNA position 838, T replaced by G.
Protein change: p.Ser280Ala; replaces serine 280 with alanine.
Molecular consequence: missense variant.
Genome position (GRCh38, 1-based): chr12:21,477,832, A>C on the plus strand (T>G on the coding strand, the complement: RECQL is on the minus strand). VCF-style: chr12-21477832-A-C. GRCh37 (hg19) VCF-style: chr12-21630766-A-C.
Other names: c.838T>G, p.Ser280Ala (NM_032941.3); short protein forms S280A.
Identifiers: ClinVar variation 2450958 (VCV002450958.2), dbSNP rs2540355898, ClinGen allele CA384124084.

ClinVar aggregate classification (germline): Uncertain significance (1 of 4 stars; one submission).

Submission:

Ambry Genetics
Classification: Uncertain significance. Last evaluated: 2022-11-25. Review status: criteria provided, single submitter. Criteria: Ambry Variant Classification Scheme 2023. Collection method: clinical testing. Allele origin: germline.
Comment: The p.S280A variant (also known as c.838T>G), located in coding exon 6 of the RECQL gene, results from a T to G substitution at nucleotide position 838. The serine at codon 280 is replaced by alanine, an amino acid with similar properties. This amino acid position is conserved. In addition, the in silico prediction for this alteration is inconclusive. Since supporting evidence is limited at this time, the clinical significance of this alteration remains unclear.